The following is an entry in ClinVar:

NM_001370466.1(NOD2):c.175A>G (p.Arg59Gly)

Gene: NOD2 (nucleotide binding oligomerization domain containing 2; plus strand). Cytogenetic location: 16q12.1.
Variant type: single nucleotide variant.
Coding change: c.175A>G on transcript NM_001370466.1 (MANE Select); coding-DNA position 175, A replaced by G.
Protein change: p.Arg59Gly; replaces arginine 59 with glycine.
Molecular consequence: missense variant. On other transcripts: non-coding transcript variant (1).
Genome position (GRCh38, 1-based): chr16:50,699,670, A>G. VCF-style: chr16-50699670-A-G. GRCh37 (hg19) VCF-style: chr16-50733581-A-G.
Other names: c.175A>G, p.Arg59Gly (NM_001293557.2); c.256A>G, p.Arg86Gly (NM_022162.3); short protein forms R86G, R59G.
Identifiers: ClinVar variation 2016062 (VCV002016062.4), dbSNP rs748200640, ClinGen allele CA8051232.

ClinVar aggregate classification (germline): Uncertain significance (1 of 4 stars; one submission).

Conditions:
Blau syndrome (BLAUS). Also called: ARTHROCUTANEOUVEAL GRANULOMATOSIS; GRANULOMATOSIS, FAMILIAL JUVENILE SYSTEMIC; GRANULOMATOSIS, FAMILIAL, BLAU TYPE; GRANULOMATOUS INFLAMMATORY ARTHRITIS, DERMATITIS, AND UVEITIS, FAMILIAL; JABS SYNDROME. Identifiers: Orphanet 90340, MedGen C5201146, MONDO:0008523, OMIM 186580.
Regional enteritis. Also called: Enteritis, Granulomatous. Identifiers: MedGen C0678202, MeSH D003424.

Allele frequency attached by ClinVar (database versions not stated): gnomAD exomes 0.00001; ExAC 0.00002.
gnomAD v4.1: 4 of 1,614,152 alleles (0.00025%); highest among the groups gnomAD compares: East Asian, 0.0067%; no homozygotes.

Submission:

Labcorp Genetics (formerly Invitae), Labcorp
Classification: Uncertain significance for Regional enteritis; Blau syndrome. Last evaluated: 2024-06-03. Review status: criteria provided, single submitter. Criteria: Invitae Variant Classification Sherloc (09022015). Collection method: clinical testing. Allele origin: germline.
Comment: This sequence change replaces arginine, which is basic and polar, with glycine, which is neutral and non-polar, at codon 86 of the NOD2 protein (p.Arg86Gly). This variant is present in population databases (rs748200640, gnomAD 0.02%). This variant has not been reported in the literature in individuals affected with NOD2-related conditions. ClinVar contains an entry for this variant (Variation ID: 2016062). Advanced modeling of protein sequence and biophysical properties (such as structural, functional, and spatial information, amino acid conservation, physicochemical variation, residue mobility, and thermodynamic stability) performed at Invitae indicates that this missense variant is not expected to disrupt NOD2 protein function with a negative predictive value of 95%. In summary, the available evidence is currently insufficient to determine the role of this variant in disease. Therefore, it has been classified as a Variant of Uncertain Significance.